The following is an entry in ClinVar:

ClinVar aggregate classification (germline): Likely benign (1 of 4 stars; one submission).

Allele frequency attached by ClinVar (database versions not stated): gnomAD 0.00208 and 0.00219; ExAC 0.00074; TOPMed 0.00218; 1000 Genomes Project 30x 0.00250; ESP Exome Variant Server 0.00271; gnomAD exomes 0.00061; 1000 Genomes Project 0.00280.
gnomAD v4.1: 780 of 1,613,400 alleles (0.048%); highest among the groups gnomAD compares: African/African-American, 0.71%; 6 homozygotes.

Submission:

CeGaT Center for Human Genetics Tuebingen
Classification: Likely benign. Last evaluated: 2026-07-01. Review status: criteria provided, single submitter. Criteria: CeGaT Center For Human Genetics Tuebingen Variant Classification Criteria Version 2. Collection method: clinical testing. Allele origin: germline. Affected: yes. Observed: 2 variant alleles.
Comment: INSRR: BP4, BP7

NM_014215.3(INSRR):c.789G>A (p.Pro263=)

Genes: INSRR (insulin receptor related receptor; minus strand), NTRK1 (neurotrophic receptor tyrosine kinase 1; plus strand). Cytogenetic location: 1q23.1.
Variant type: single nucleotide variant.
Coding change: c.789G>A on transcript NM_014215.3 (MANE Select); coding-DNA position 789, G replaced by A.
Protein change: p.Pro263=; no amino-acid change (proline 263 retained).
Molecular consequence: synonymous variant. On other transcripts: intron variant (1).
Genome position (GRCh38, 1-based): chr1:156,852,040, C>T on the plus strand (G>A on the coding strand, the complement: INSRR is on the minus strand). VCF-style: chr1-156852040-C-T. GRCh37 (hg19) VCF-style: chr1-156821832-C-T.
Other names: c.122+9847C>T (NM_001007792.1).
Identifiers: ClinVar variation 1694533 (VCV001694533.28), dbSNP rs138142163, ClinGen allele CA1168597.
Genomic context (GRCh38, chr1:156,852,040, plus strand): 5'-CAGGCTGGCACAGCGCTCAGCTGTGACACAGCGCCAGGACTCATACTGGTAGGTGCCTGG[C>T]GGGCAGGCCCACAGGCAGGCACCCTGGAAGTAGAGGTGGCGGCAAGCTACACAGGCACGA-3'
Protein context (NP_055030.1, residues 253-273): YFQGACLWAC[Pro263=]PGTYQYESWR